The following is an entry in ClinVar:

NM_024675.4(PALB2):c.44A>T (p.Glu15Val)

Gene: PALB2 (partner and localizer of BRCA2; minus strand). Cytogenetic location: 16p12.2.
Variant type: single nucleotide variant.
Coding change: c.44A>T on transcript NM_024675.4 (MANE Select); coding-DNA position 44, A replaced by T.
Protein change: p.Glu15Val; replaces glutamic acid 15 with valine.
Molecular consequence: missense variant.
Genome position (GRCh38, 1-based): chr16:23,641,114, T>A on the plus strand (A>T on the coding strand, the complement: PALB2 is on the minus strand). VCF-style: chr16-23641114-T-A. GRCh37 (hg19) VCF-style: chr16-23652435-T-A.
Other names: short protein forms E15V.
Identifiers: ClinVar variation 486013 (VCV000486013.17), dbSNP rs1555462501, ClinGen allele CA395141018.

ClinVar aggregate classification (germline): Uncertain significance. Review status: criteria provided, multiple submitters, no conflicts (2 of 4 stars). 2 submissions from 2 submitters: Uncertain significance (2). Last evaluated 2024-04-11.

Conditions:
Hereditary cancer-predisposing syndrome. Also called: Tumor predisposition; Hereditary Cancer Syndrome; Hereditary neoplastic syndrome; Neoplastic Syndromes, Hereditary. Identifiers: Orphanet 140162, MedGen C0027672, MeSH D009386, MONDO:0015356.
Familial cancer of breast. Also called: hereditary breast carcinoma; BREAST CANCER, FAMILIAL; Hereditary breast cancer. Identifiers: Orphanet 227535, MedGen C0346153, MONDO:0016419, OMIM 114480. Disease mechanism: loss of function.

Submissions (2):

Ambry Genetics
Classification: Uncertain significance for Hereditary cancer-predisposing syndrome. Last evaluated: 2024-04-11. Review status: criteria provided, single submitter. Criteria: Ambry Variant Classification Scheme 2023. Collection method: clinical testing. Allele origin: germline.
Comment: The c.44A>Tvariant (also known as p.E15V), located in coding exon 1 of the PALB2 gene, results from an A to T substitution at nucleotide position 44. The glutamic acid at codon 15 is replaced by valine, an amino acid with dissimilar properties. This nucleotide position is highly conserved in available vertebrate species. In silico splice site analysis predicts that this alteration will weaken the native splice donor site and will result in the creation or strengthening of a novel splice donor site; however, direct evidence is insufficient at this time (Ambry internal data). This amino acid position is well conserved in available vertebrate species. In addition, this alteration is predicted to be tolerated by in silico analysis. Based on the available evidence, the clinical significance of this variant remains unclear.

Labcorp Genetics (formerly Invitae), Labcorp
Classification: Uncertain significance for Familial cancer of breast. Last evaluated: 2024-03-28. Review status: criteria provided, single submitter. Criteria: Invitae Variant Classification Sherloc (09022015). Collection method: clinical testing. Allele origin: germline.
Comment: This sequence change replaces glutamic acid, which is acidic and polar, with valine, which is neutral and non-polar, at codon 15 of the PALB2 protein (p.Glu15Val). This variant is not present in population databases (gnomAD no frequency). This variant has not been reported in the literature in individuals affected with PALB2-related conditions. ClinVar contains an entry for this variant (Variation ID: 486013). An algorithm developed to predict the effect of missense changes on protein structure and function (PolyPhen-2) suggests that this variant is likely to be disruptive. Algorithms developed to predict the effect of sequence changes on RNA splicing suggest that this variant may disrupt the consensus splice site. In summary, the available evidence is currently insufficient to determine the role of this variant in disease. Therefore, it has been classified as a Variant of Uncertain Significance.